The following is an entry in ClinVar:

ClinVar aggregate classification (germline): Uncertain significance. Review status: criteria provided, multiple submitters, no conflicts (2 of 4 stars). 4 submissions from 4 submitters: Uncertain significance (4). Last evaluated 2026-01-28.

Conditions:
Tuberous sclerosis 1 (TSC1). Identifiers: Orphanet 805, MedGen C1854465, MONDO:0008612, OMIM 191100.
Hereditary cancer-predisposing syndrome. Also called: Hereditary neoplastic syndrome; Tumor predisposition; Hereditary Cancer Syndrome; Neoplastic Syndromes, Hereditary. Identifiers: Orphanet 140162, MedGen C0027672, MeSH D009386, MONDO:0015356.
Isolated focal cortical dysplasia type II (FCORD2). Also called: Focal cortical dysplasia type II; CORTICAL DYSPLASIA OF TAYLOR. Identifiers: Orphanet 268994, MedGen C1846385, MONDO:0011818, OMIM 607341, HP:0032051.
Lymphangiomyomatosis (LAM). Also called: Lymphangioleiomyomatosis; Lymphangioleiomyomatosis, somatic. Identifiers: Orphanet 538, MedGen C0751674, MONDO:0011705, OMIM 606690.
Tuberous sclerosis syndrome (TSC). Also called: Tuberous Sclerosis Complex; Tuberous sclerosis. Identifiers: Orphanet 805, MedGen C0041341, MONDO:0001734.

Submissions (4):

Labcorp Genetics (formerly Invitae), Labcorp
Classification: Uncertain significance for Tuberous sclerosis 1. Last evaluated: 2026-01-28. Review status: criteria provided, single submitter. Criteria: Invitae Variant Classification Sherloc (09022015). Collection method: clinical testing. Allele origin: germline.
Comment: This sequence change replaces glutamic acid, which is acidic and polar, with lysine, which is basic and polar, at codon 787 of the TSC1 protein (p.Glu787Lys). This variant is not present in population databases (gnomAD no frequency). This variant has not been reported in the literature in individuals affected with TSC1-related conditions. ClinVar contains an entry for this variant (Variation ID: 577919). Invitae Evidence Modeling of protein sequence and biophysical properties (such as structural, functional, and spatial information, amino acid conservation, physicochemical variation, residue mobility, and thermodynamic stability) indicates that this missense variant is not expected to disrupt TSC1 protein function with a negative predictive value of 95%. In summary, the available evidence is currently insufficient to determine the role of this variant in disease. Therefore, it has been classified as a Variant of Uncertain Significance.

Color Diagnostics, LLC DBA Color Health
Classification: Uncertain significance for Tuberous sclerosis syndrome. Last evaluated: 2025-08-25. Review status: criteria provided, single submitter. Criteria: ACMG Guidelines, 2015. Collection method: clinical testing. Allele origin: germline.
Comment: This missense variant replaces glutamic acid with lysine at codon 787 of the TSC1 protein. Computational prediction suggests that this variant may not impact protein structure and function. To our knowledge, functional studies have not been reported for this variant. This variant has not been reported in individuals affected with TSC1-related disorders in the literature. This variant has not been identified in the general population by the Genome Aggregation Database (gnomAD). The available evidence is insufficient to determine the role of this variant in disease conclusively. Therefore, this variant is classified as a Variant of Uncertain Significance.

Ambry Genetics
Classification: Uncertain significance for Hereditary cancer-predisposing syndrome. Last evaluated: 2023-11-16. Review status: criteria provided, single submitter. Criteria: Ambry Variant Classification Scheme 2023. Collection method: clinical testing. Allele origin: germline.
Comment: The p.E787K variant (also known as c.2359G>A), located in coding exon 16 of the TSC1 gene, results from a G to A substitution at nucleotide position 2359. The glutamic acid at codon 787 is replaced by lysine, an amino acid with similar properties. This amino acid position is highly conserved through mammals but not in all available vertebrate species. In addition, this alteration is predicted to be tolerated by in silico analysis. Since supporting evidence is limited at this time, the clinical significance of this alteration remains unclear.

Fulgent Genetics
Classification: Uncertain significance for Tuberous sclerosis 1; Lymphangiomyomatosis; Isolated focal cortical dysplasia type II. Last evaluated: 2021-08-04. Review status: criteria provided, single submitter. Criteria: ACMG Guidelines, 2015. Collection method: clinical testing. Allele origin: unknown.

NM_000368.5(TSC1):c.2359G>A (p.Glu787Lys)

Gene: TSC1 (TSC complex subunit 1; minus strand). Cytogenetic location: 9q34.13.
Variant type: single nucleotide variant.
Coding change: c.2359G>A on transcript NM_000368.5 (MANE Select); coding-DNA position 2359, G replaced by A.
Protein change: p.Glu787Lys; replaces glutamic acid 787 with lysine.
Molecular consequence: missense variant.
Genome position (GRCh38, 1-based): chr9:132,902,637, C>T on the plus strand (G>A on the coding strand, the complement: TSC1 is on the minus strand). VCF-style: chr9-132902637-C-T. GRCh37 (hg19) VCF-style: chr9-135778024-C-T.
Other names: c.2356G>A, p.Glu786Lys (NM_001162426.2); c.2206G>A, p.Glu736Lys (NM_001162427.2); c.1996G>A, p.Glu666Lys (NM_001362177.2); short protein forms E787K, E736K, E786K, E666K.
Identifiers: ClinVar variation 577919 (VCV000577919.12), dbSNP rs1564477097, ClinGen allele CA375359285.
Genomic context (GRCh38, chr9:132,902,637, plus strand): 5'-TGGCTTTGCCTGGTGCTGCAGTTTATACCTGTAATTCCTGGCTCTGGTTGTAGAATTCCT[C>T]TCGGTCATGCTGCAGCTGTCTGATCTGGCTGTGGAGCTTGGTTACCATAGTGTCACGCTG-3'
Protein context (NP_000359.1, residues 777-797): SQIRQLQHDR[Glu787Lys]EFYNQSQELQ